The following is an entry in ClinVar:

ClinVar aggregate classification (germline): Uncertain significance (1 of 4 stars; one submission).

Conditions:
Charcot-Marie-Tooth disease type 2. Also called: Charcot-Marie-Tooth type 2. Identifiers: Orphanet 64746, MedGen C0270914, MONDO:0018993.

Submission:

Labcorp Genetics (formerly Invitae), Labcorp
Classification: Uncertain significance for Charcot-Marie-Tooth disease type 2. Last evaluated: 2020-08-22. Review status: criteria provided, single submitter. Criteria: Invitae Variant Classification Sherloc (09022015). Collection method: clinical testing. Allele origin: germline.
Comment: This variant has been observed in individual(s) with clinical features of MFN2-related conditions (Invitae). This variant results in a copy number gain of the genomic region encompassing exon(s) 12 - 18 of the MFN2 gene. While the exact position of this variant cannot be determined from the data, sub-genic copy number gains are generally in tandem (PMID: 25640679). This variant is predicted to be in-frame, and likely preserves the integrity of the reading frame. In summary, the available evidence is currently insufficient to determine the role of this variant in disease. Therefore, it has been classified as a Variant of Uncertain Significance.

Literature cited by the submitters: PubMed 25640679.

NC_000001.10:g.(?_12064039)_(12069793_?)dup

Gene: MFN2 (mitofusin 2; plus strand). Cytogenetic location: 1p36.22.
Variant type: Duplication.
Identifiers: ClinVar variation 1011520 (VCV001011520.7).